The following is an entry in ClinVar:

NM_002485.5(NBN):c.899A>G (p.Gln300Arg)

Gene: NBN (nibrin; minus strand). Cytogenetic location: 8q21.3.
Variant type: single nucleotide variant.
Coding change: c.899A>G on transcript NM_002485.5 (MANE Select); coding-DNA position 899, A replaced by G.
Protein change: p.Gln300Arg; replaces glutamine 300 with arginine.
Molecular consequence: missense variant.
Genome position (GRCh38, 1-based): chr8:89,964,505, T>C on the plus strand (A>G on the coding strand, the complement: NBN is on the minus strand). VCF-style: chr8-89964505-T-C. GRCh37 (hg19) VCF-style: chr8-90976733-T-C.
Other names: c.653A>G, p.Gln218Arg (NM_001024688.3); short protein forms Q300R, Q218R.
Identifiers: ClinVar variation 822871 (VCV000822871.16), dbSNP rs758070132, ClinGen allele CA4802851.

ClinVar aggregate classification (germline): Uncertain significance. Review status: criteria provided, multiple submitters, no conflicts (2 of 4 stars). 3 submissions from 3 submitters: Uncertain significance (3). Last evaluated 2025-09-30.

Conditions:
Microcephaly, normal intelligence and immunodeficiency (NBS). Also called: Nijmegen breakage syndrome; Microcephaly with normal intelligence immunodeficiency and lymphoreticular malignancies; Nonsyndromal microcephaly autosomal recessive with normal intelligence; Seemanova syndrome 2; Immunodeficiency, microcephaly with normal intelligence; Ataxia telangiectasia variant V1. Identifiers: Orphanet 647, MedGen C0398791, MONDO:0009623, OMIM 251260.
Hereditary cancer-predisposing syndrome. Also called: Hereditary Cancer Syndrome; Neoplastic Syndromes, Hereditary; Hereditary neoplastic syndrome; Tumor predisposition. Identifiers: Orphanet 140162, MedGen C0027672, MeSH D009386, MONDO:0015356.

Allele frequency attached by ClinVar (database versions not stated): ExAC 0.00001; gnomAD exomes 0.00001 and below 0.00001.
gnomAD v4.1: 4 of 1,584,938 alleles (0.00025%); highest among the groups gnomAD compares: South Asian, 0.0033%; no homozygotes.

Submissions (3):

Labcorp Genetics (formerly Invitae), Labcorp
Classification: Uncertain significance for Microcephaly, normal intelligence and immunodeficiency. Last evaluated: 2025-09-30. Review status: criteria provided, single submitter. Criteria: Invitae Variant Classification Sherloc (09022015). Collection method: clinical testing. Allele origin: germline.
Comment: This sequence change replaces glutamine, which is neutral and polar, with arginine, which is basic and polar, at codon 300 of the NBN protein (p.Gln300Arg). This variant is present in population databases (rs758070132, gnomAD 0.003%). This variant has not been reported in the literature in individuals affected with NBN-related conditions. ClinVar contains an entry for this variant (Variation ID: 822871). An algorithm developed to predict the effect of missense changes on protein structure and function outputs the following: PolyPhen-2: "Benign". The arginine amino acid residue is found in multiple mammalian species, which suggests that this missense change does not adversely affect protein function. In summary, the available evidence is currently insufficient to determine the role of this variant in disease. Therefore, it has been classified as a Variant of Uncertain Significance.

Ambry Genetics
Classification: Uncertain significance for Hereditary cancer-predisposing syndrome. Last evaluated: 2024-12-23. Review status: criteria provided, single submitter. Criteria: Ambry Variant Classification Scheme 2023. Collection method: clinical testing. Allele origin: germline.
Comment: The p.Q300R variant (also known as c.899A>G), located in coding exon 8 of the NBN gene, results from an A to G substitution at nucleotide position 899. The glutamine at codon 300 is replaced by arginine, an amino acid with highly similar properties. This amino acid position is not well conserved in available vertebrate species. In addition, this alteration is predicted to be tolerated by in silico analysis. Since supporting evidence is limited at this time, the clinical significance of this alteration remains unclear.

Genome-Nilou Lab
Classification: Uncertain significance for Microcephaly, normal intelligence and immunodeficiency. Last evaluated: 2021-11-07. Review status: criteria provided, single submitter. Criteria: ACMG Guidelines, 2015. Collection method: clinical testing. Allele origin: germline. Affected: no.